The following is an entry in ClinVar:

NM_006946.4(SPTBN2):c.5160C>G (p.His1720Gln)

Gene: SPTBN2 (spectrin beta, non-erythrocytic 2; minus strand). Cytogenetic location: 11q13.2.
Variant type: single nucleotide variant.
Coding change: c.5160C>G on transcript NM_006946.4 (MANE Select); coding-DNA position 5160, C replaced by G.
Protein change: p.His1720Gln; replaces histidine 1720 with glutamine.
Molecular consequence: missense variant.
Genome position (GRCh38, 1-based): chr11:66,692,566, G>C on the plus strand (C>G on the coding strand, the complement: SPTBN2 is on the minus strand). VCF-style: chr11-66692566-G-C. GRCh37 (hg19) VCF-style: chr11-66460037-G-C.
Other names: c.5181C>G, p.His1727Gln (NM_001411025.1); short protein forms H1720Q, H1727Q.
Identifiers: ClinVar variation 3603583 (VCV003603583.2).

ClinVar aggregate classification (germline): Uncertain significance (1 of 4 stars; one submission).

gnomAD v4.1: 6 of 1,605,244 alleles (0.00037%); highest among the groups gnomAD compares: Admixed American, 0.01%; no homozygotes.

Submission:

Labcorp Genetics (formerly Invitae), Labcorp
Classification: Uncertain significance. Last evaluated: 2025-02-18. Review status: criteria provided, single submitter. Criteria: Invitae Variant Classification Sherloc (09022015). Collection method: clinical testing. Allele origin: germline.
Comment: This sequence change replaces histidine, which is basic and polar, with glutamine, which is neutral and polar, at codon 1720 of the SPTBN2 protein (p.His1720Gln). This variant is present in population databases (no rsID available, gnomAD 0.006%). This variant has not been reported in the literature in individuals affected with SPTBN2-related conditions. Invitae Evidence Modeling of protein sequence and biophysical properties (such as structural, functional, and spatial information, amino acid conservation, physicochemical variation, residue mobility, and thermodynamic stability) indicates that this missense variant is not expected to disrupt SPTBN2 protein function with a negative predictive value of 80%. In summary, the available evidence is currently insufficient to determine the role of this variant in disease. Therefore, it has been classified as a Variant of Uncertain Significance.